The following continues an entry in ClinVar:

NM_001267550.2(TTN):c.45408G>T (p.Lys15136Asn)

ClinVar aggregate classification (germline): Conflicting classifications of pathogenicity. Uncertain significance (4); Benign (12); Likely benign (5).

Submissions 19 to 28 of 28:

Laboratory for Molecular Medicine, Mass General Brigham Personalized Medicine
Classification: Likely benign. Last evaluated: 2015-03-21. Review status: criteria provided, single submitter. Criteria: LMM Criteria. Collection method: clinical testing. Allele origin: germline. Observed: 17 variant alleles.
Comment: p.Lys12568Asn in exon 195 of TTN: This variant is not expected to have clinical significance because it has been identified in 0.7% (429/65514) of European chro mosomes (including 1 homozygous individual) by the Exome Aggregation Consortium (ExAC; dbSNP rs72677225).

Genetic Services Laboratory, University of Chicago
Classification: Uncertain significance. Last evaluated: 2013-08-20. Review status: criteria provided, single submitter. Criteria: ACMG Guidelines, 2007. Collection method: clinical testing. Allele origin: germline.

Biesecker Lab/Clinical Genomics Section, National Institutes of Health
Classification: Benign. Last evaluated: 2013-06-24. Review status: criteria provided, single submitter. Criteria: Ng et al. (Circ Cardiovasc Genet. 2013). Collection method: research. Allele origin: unknown. Observed: 10 variant alleles. Study: ClinSeq.
Comment: The study set was not selected for affection status in relation to any cancer. Pathogenicity categories were based on literature curation. See Pubmed ID:23861362 for details.

Medical sequencing

PreventionGenetics, part of Exact Sciences
Classification: Benign for TTN-related condition. Last evaluated: 2022-10-03. Review status: no assertion criteria provided. Collection method: clinical testing. Allele origin: germline. Not counted in ClinVar's aggregate classification.
Comment: This variant is classified as benign based on ACMG/AMP sequence variant interpretation guidelines (Richards et al. 2015 PMID: 25741868, with internal and published modifications).

Clinical Genetics DNA and cytogenetics Diagnostics Lab, Erasmus MC, Erasmus Medical Center
Classification: Benign. Review status: no assertion criteria provided. Collection method: clinical testing. Allele origin: germline. Affected: yes. Study: VKGL Data-share Consensus. Not counted in ClinVar's aggregate classification.

Clinical Genetics, Academic Medical Center
Classification: Benign. Review status: no assertion criteria provided. Collection method: clinical testing. Allele origin: germline. Affected: yes. Study: VKGL Data-share Consensus. Not counted in ClinVar's aggregate classification.

Diagnostic Laboratory, Department of Genetics, University Medical Center Groningen
Classification: Likely benign. Review status: no assertion criteria provided. Collection method: clinical testing. Allele origin: germline. Affected: yes. Study: VKGL Data-share Consensus. Not counted in ClinVar's aggregate classification.

Genome Diagnostics Laboratory, University Medical Center Utrecht
Classification: Benign. Review status: no assertion criteria provided. Collection method: clinical testing. Allele origin: germline. Affected: yes. Study: VKGL Data-share Consensus. Not counted in ClinVar's aggregate classification.

Joint Genome Diagnostic Labs from Nijmegen and Maastricht, Radboudumc and MUMC+
Classification: Benign. Review status: no assertion criteria provided. Collection method: clinical testing. Allele origin: germline. Affected: yes. Study: VKGL Data-share Consensus. Not counted in ClinVar's aggregate classification.

Laboratory of Diagnostic Genome Analysis, Leiden University Medical Center (LUMC)
Classification: Likely benign. Review status: no assertion criteria provided. Collection method: clinical testing. Allele origin: germline. Affected: yes. Study: VKGL Data-share Consensus. Not counted in ClinVar's aggregate classification.

Literature cited by the submitters: PubMed 24476948 (cited by Athena Diagnostics).